The following is an entry in ClinVar:

NM_000501.4(ELN):c.665C>T (p.Thr222Ile)

Gene: ELN (elastin; plus strand). Cytogenetic location: 7q11.23.
Variant type: single nucleotide variant.
Coding change: c.665C>T on transcript NM_000501.4 (MANE Select); coding-DNA position 665, C replaced by T.
Protein change: p.Thr222Ile; replaces threonine 222 with isoleucine.
Molecular consequence: missense variant. On other transcripts: intron variant (2).
Genome position (GRCh38, 1-based): chr7:74,047,696, C>T. VCF-style: chr7-74047696-C-T. GRCh37 (hg19) VCF-style: chr7-73462026-C-T.
Other names: c.635C>T, p.Thr212Ile (NM_001081752.3, NM_001278917.2); c.680C>T, p.Thr227Ile (NM_001081753.3, NM_001081754.3); c.665C>T, p.Thr222Ile (NM_001081755.3, NM_001278912.2, NM_001278915.2 and 1 more transcripts); c.650C>T, p.Thr217Ile (NM_001278914.2); c.533C>T, p.Thr178Ile (NM_001278918.2); c.644-446C>T (NM_001278916.2); c.578-446C>T (NM_001278913.2); c.665C>T (NM_000501.3); short protein forms T178I, T212I, T217I, T222I, T227I.
Identifiers: ClinVar variation 2499310 (VCV002499310.2), dbSNP rs1554673379, ClinGen allele CA367870405.
Genomic context (GRCh38, chr7:74,047,696, plus strand): 5'-CATGGGGCAGCCCCTGAGTTTGCTCTGTCCTCTCTCCAGGTGGCTATGGACTGCCCTACA[C>T]CACAGGGAAACTGCCCTATGGTGAGTGAGACCCTTCTAGACTGTGGGCTTCCAGCTCTTT-3'
Protein context (NP_000492.2, residues 212-232): KLPGGYGLPY[Thr222Ile]TGKLPYGYGP

ClinVar aggregate classification (germline): Uncertain significance. Review status: criteria provided, multiple submitters, no conflicts (2 of 4 stars). 2 submissions from 2 submitters: Uncertain significance (2). Last evaluated 2026-01-07.

Conditions:
ELN-related disorder.

Allele frequency attached by ClinVar (database versions not stated): gnomAD exomes below 0.00001.

Submissions (2):

PreventionGenetics, part of Exact Sciences
Classification: Uncertain significance for ELN-related condition. Last evaluated: 2026-01-07. Review status: criteria provided, single submitter. Criteria: ACMG Guidelines, 2015. Collection method: clinical testing. Allele origin: germline.
Comment: The ELN c.665C>T variant is predicted to result in the amino acid substitution p.Thr222Ile. To our knowledge, this variant has not been reported in the literature. This variant is reported in 0.0029% of alleles in individuals of Latino descent in gnomAD. At this time, the clinical significance of this variant is uncertain due to the absence of conclusive functional and genetic evidence.

GeneDx
Classification: Uncertain significance. Last evaluated: 2022-10-11. Review status: criteria provided, single submitter. Criteria: GeneDx Variant Classification Process June 2021. Collection method: clinical testing. Allele origin: germline. Affected: yes.
Comment: Not observed at significant frequency in large population cohorts (gnomAD); In silico analysis supports that this missense variant has a deleterious effect on protein structure/function; Has not been previously published as pathogenic or benign to our knowledge